The following is an entry in ClinVar:

NM_020975.6(RET):c.529C>T (p.Arg177Trp)

Gene: RET (ret proto-oncogene; plus strand). Cytogenetic location: 10q11.21.
Variant type: single nucleotide variant.
Coding change: c.529C>T on transcript NM_020975.6 (MANE Select); coding-DNA position 529, C replaced by T.
Protein change: p.Arg177Trp; replaces arginine 177 with tryptophan.
Molecular consequence: missense variant.
Genome position (GRCh38, 1-based): chr10:43,102,533, C>T. VCF-style: chr10-43102533-C-T. GRCh37 (hg19) VCF-style: chr10-43597981-C-T.
Other names: c.529C>T, p.Arg177Trp (NM_000323.2, NM_001406743.1, NM_001406744.1 and 16 more transcripts); c.400C>T, p.Arg134Trp (NM_001406761.1, NM_001406762.1, NM_001406764.1 and 4 more transcripts); short protein forms R177W, R134W.
Identifiers: ClinVar variation 405526 (VCV000405526.17), dbSNP rs765654609, ClinGen allele CA16612782.

ClinVar aggregate classification (germline): Uncertain significance. Review status: criteria provided, multiple submitters, no conflicts (2 of 4 stars). 4 submissions from 4 submitters: Uncertain significance (4). Last evaluated 2026-01-19.

Conditions:
Hereditary cancer-predisposing syndrome. Also called: Hereditary Cancer Syndrome; Hereditary neoplastic syndrome; Neoplastic Syndromes, Hereditary; Tumor predisposition. Identifiers: Orphanet 140162, MedGen C0027672, MeSH D009386, MONDO:0015356.
Multiple endocrine neoplasia, type 2 (MEN2). Identifiers: Orphanet 653, MedGen C4048306, MONDO:0019003. Disease mechanism: gain of function.

Allele frequency attached by ClinVar (database versions not stated): TOPMed 0.00001; gnomAD 0.00003.
gnomAD v4.1: 32 of 1,614,102 alleles (0.002%); highest among the groups gnomAD compares: East Asian, 0.0022%; no homozygotes.

Submissions (4):

Labcorp Genetics (formerly Invitae), Labcorp
Classification: Uncertain significance for Multiple endocrine neoplasia, type 2. Last evaluated: 2026-01-19. Review status: criteria provided, single submitter. Criteria: Invitae Variant Classification Sherloc (09022015). Collection method: clinical testing. Allele origin: germline.
Comment: This sequence change replaces arginine, which is basic and polar, with tryptophan, which is neutral and slightly polar, at codon 177 of the RET protein (p.Arg177Trp). This variant is present in population databases (rs765654609, gnomAD 0.02%). This variant has not been reported in the literature in individuals affected with RET-related conditions. ClinVar contains an entry for this variant (Variation ID: 405526). An algorithm developed to predict the effect of missense changes on protein structure and function (PolyPhen-2) suggests that this variant is likely to be disruptive. In summary, the available evidence is currently insufficient to determine the role of this variant in disease. Therefore, it has been classified as a Variant of Uncertain Significance.

Ambry Genetics
Classification: Uncertain significance for Hereditary cancer-predisposing syndrome. Last evaluated: 2024-12-12. Review status: criteria provided, single submitter. Criteria: Ambry Variant Classification Scheme 2023. Collection method: clinical testing. Allele origin: germline.
Comment: The p.R177W variant (also known as c.529C>T), located in coding exon 3 of the RET gene, results from a C to T substitution at nucleotide position 529. The arginine at codon 177 is replaced by tryptophan, an amino acid with dissimilar properties. This amino acid position is well conserved in available vertebrate species. In addition, this alteration is predicted to be tolerated by in silico analysis. Based on the available evidence, the clinical significance of this variant remains unclear.

Color Diagnostics, LLC DBA Color Health
Classification: Uncertain significance for Multiple endocrine neoplasia, type 2. Last evaluated: 2024-11-05. Review status: criteria provided, single submitter. Criteria: ACMG Guidelines, 2015. Collection method: clinical testing. Allele origin: germline.
Comment: This missense variant replaces arginine with tryptophan at codon 177 of the RET protein. Computational prediction suggests that this variant may not impact protein structure and function. To our knowledge, functional studies have not been reported for this variant. This variant has not been reported in individuals affected with RET-related disorders in the literature. This variant has been identified in 10/282790 chromosomes in the general population by the Genome Aggregation Database (gnomAD). The available evidence is insufficient to determine the role of this variant in disease conclusively. Therefore, this variant is classified as a Variant of Uncertain Significance.

GeneDx
Classification: Uncertain significance. Last evaluated: 2023-10-17. Review status: criteria provided, single submitter. Criteria: GeneDx Variant Classification Process June 2021. Collection method: clinical testing. Allele origin: germline. Affected: yes.
Comment: In silico analysis supports that this missense variant does not alter protein structure/function; Has not been previously published as pathogenic or benign to our knowledge; This variant is associated with the following publications: (PMID: 14633923, 34741450)